The following is an entry in ClinVar:

ClinVar aggregate classification (germline): Pathogenic (1 of 4 stars; one submission).

Submission:

Athena Diagnostics
Classification: Pathogenic. Last evaluated: 2022-04-13. Review status: criteria provided, single submitter. Criteria: Athena Diagnostics Criteria. Collection method: clinical testing. Allele origin: unknown.
Comment: This variant has been identified in at least one individual with CADASIL. This variant has not been reported in large, multi-ethnic general populations. At least one other missense variant at this codon is considered to be pathogenic or likely pathogenic, suggesting this variant may also cause disease. This variant alters a critical location within the protein, and is expected to severely affect function and cause disease. Greater than 90% of pathogenic variants identified in NOTCH3 involve the gain or loss of a cysteine residue within the epidermal growth factor (EGF)-like repeat domain.

NM_000435.3(NOTCH3):c.226T>A (p.Cys76Ser)

Gene: NOTCH3 (notch receptor 3; minus strand). Cytogenetic location: 19p13.12.
Variant type: single nucleotide variant.
Coding change: c.226T>A on transcript NM_000435.3 (MANE Select); coding-DNA position 226, T replaced by A.
Protein change: p.Cys76Ser; replaces cysteine 76 with serine.
Molecular consequence: missense variant.
Genome position (GRCh38, 1-based): chr19:15,192,491, A>T on the plus strand (T>A on the coding strand, the complement: NOTCH3 is on the minus strand). VCF-style: chr19-15192491-A-T. GRCh37 (hg19) VCF-style: chr19-15303302-A-T.
Other names: short protein forms C76S.
Identifiers: ClinVar variation 585599 (VCV000585599.2), dbSNP rs1555729610, ClinGen allele CA404535146.
Genomic context (GRCh38, chr19:15,192,491, plus strand): 5'-AACTCTGGCAGACACCACGGCCAGCACAGGGGCCTGAGTGACAGGGGTCCTCCAGCTGAC[A>T]CCGCTCACCCACCCAGCCAGGCGGGCACCTGTGGGCAGAGATGGCTTGGTTGGGCAGCAC-3'
Protein context (NP_000426.2, residues 66-86): LCPPGWVGER[Cys76Ser]QLEDPCHSGP